The following is an entry in ClinVar:

NM_007055.4(POLR3A):c.2080C>T (p.Arg694Cys)

Gene: POLR3A (RNA polymerase III subunit A; minus strand). Cytogenetic location: 10q22.3.
Variant type: single nucleotide variant.
Coding change: c.2080C>T on transcript NM_007055.4 (MANE Select); coding-DNA position 2080, C replaced by T.
Protein change: p.Arg694Cys; replaces arginine 694 with cysteine.
Molecular consequence: missense variant.
Genome position (GRCh38, 1-based): chr10:78,004,883, G>A on the plus strand (C>T on the coding strand, the complement: POLR3A is on the minus strand). VCF-style: chr10-78004883-G-A. GRCh37 (hg19) VCF-style: chr10-79764641-G-A.
Other names: short protein forms R694C.
Identifiers: ClinVar variation 1425263 (VCV001425263.10), dbSNP rs1847395828, ClinGen allele CA377338712.

ClinVar aggregate classification (germline): Conflicting classifications of pathogenicity. Review status: criteria provided, conflicting classifications (1 of 4 stars). 2 submissions from 2 submitters: Likely pathogenic (1); Uncertain significance (1). Last evaluated 2025-06-11.

Conditions:
POLR3A-related disorder. Also called: POLR3A-related disorders; POLR3A-related condition. Identifiers: MedGen CN378587, MONDO:0700276.

Allele frequency attached by ClinVar (database versions not stated): gnomAD exomes below 0.00001; gnomAD 0.00001; TOPMed 0.00002.
gnomAD v4.1: 8 of 1,613,838 alleles (0.0005%); highest among the groups gnomAD compares: African/African-American, 0.0027%; no homozygotes.

Submissions (2):

Victorian Clinical Genetics Services, Murdoch Childrens Research Institute
Classification: Likely pathogenic for POLR3A-related disorder. Last evaluated: 2025-06-11. Review status: criteria provided, single submitter. Criteria: ACMG Guidelines, 2015. Collection method: clinical testing. Allele origin: germline. Affected: yes.
Comment: This variant is classified as Likely pathogenic. Evidence in support of pathogenic classification: Variant is present in gnomAD <0.01 for a recessive condition (v4: 8 heterozygote(s), 0 homozygote(s)) ; Another missense variant comparable to the one identified in this case has limited previous evidence for pathogenicity. p.(Arg694His) has been identified compound heterozygous with a frameshift variant in an individual with leukodystrophy, hypomyelinating, 7, with or without oligodontia and/or hypogonadotropic hypogonadism (MIM#607694) (PMID:34440436). This variant has also been classified VUS by clinical laboratories (ClinVar); Missense variant predicted to be damaging by in silico tool(s) or highly conserved with a major amino acid change. Additional information: Variant is predicted to result in a missense amino acid change from arginine to cysteine; This variant is heterozygous; This gene is associated with autosomal recessive disease; Alternative amino acid change(s) at the same position are present in gnomAD (v4: 27 heterozygote(s), 0 homozygote(s)) ; Previous evidence of pathogenicity for this variant is inconclusive. This variant has been classified as a VUS by a clinical laboratory in ClinVar, and reported as compound heterozygous with another unclassified variant in an individual with POLR3-related leukodystrophy (PMID:33951919); No published segregation evidence has been identified for this variant; No published functional evidence has been identified for this variant; Variant is located in the annotated RNA polymerase Rpb1 3 domain (DECIPHER); Loss of function is a known mechanism of disease in this gene and is associated with POLR3A-related disorder (MONDO:0700276); Variants in this gene are known to have variable expressivity. Intrafamilial variability in individuals with a leukodystrophy phenotype have been reported (PMID:21855841); Parental origin of the variant is unresolved.

Labcorp Genetics (formerly Invitae), Labcorp
Classification: Uncertain significance. Last evaluated: 2021-12-02. Review status: criteria provided, single submitter. Criteria: Invitae Variant Classification Sherloc (09022015). Collection method: clinical testing. Allele origin: germline.
Comment: Algorithms developed to predict the effect of missense changes on protein structure and function are either unavailable or do not agree on the potential impact of this missense change (SIFT: "Deleterious"; PolyPhen-2: "Probably Damaging"; Align-GVGD: "Class C0"). In summary, the available evidence is currently insufficient to determine the role of this variant in disease. Therefore, it has been classified as a Variant of Uncertain Significance. This variant has not been reported in the literature in individuals affected with POLR3A-related conditions. This variant is not present in population databases (gnomAD no frequency). This sequence change replaces arginine, which is basic and polar, with cysteine, which is neutral and slightly polar, at codon 694 of the POLR3A protein (p.Arg694Cys).

Literature cited by the submitters: PubMed 33951919 (cited by Victorian Clinical Genetics Services, Murdoch Childrens Research Institute); PubMed 34440436 (cited by Victorian Clinical Genetics Services, Murdoch Childrens Research Institute); PubMed 21855841 (cited by Victorian Clinical Genetics Services, Murdoch Childrens Research Institute).